The following is an entry in ClinVar:

ClinVar aggregate classification (germline): Uncertain significance (1 of 4 stars; one submission).

Conditions:
Polyglandular autoimmune syndrome, type 1 (APS1). Also called: Autoimmune polyendocrinopathy syndrome, type I; Autoimmune polyendocrinopathy syndrome , type I, with or without reversible metaphyseal dysplasia; HYPOADRENOCORTICISM WITH HYPOPARATHYROIDISM AND SUPERFICIAL MONILIASIS; Autoimmune polyendocrine syndrome type 1; AUTOIMMUNE POLYENDOCRINE SYNDROME, TYPE I, WITH OR WITHOUT REVERSIBLE METAPHYSEAL DYSPLASIA; PGA I. Identifiers: Orphanet 3453, MedGen C0085859, MONDO:0009411, OMIM 240300.

Allele frequency attached by ClinVar (database versions not stated): gnomAD exomes 0.00001.

Submission:

Labcorp Genetics (formerly Invitae), Labcorp
Classification: Uncertain significance for Polyglandular autoimmune syndrome, type 1. Last evaluated: 2023-02-22. Review status: criteria provided, single submitter. Criteria: Invitae Variant Classification Sherloc (09022015). Collection method: clinical testing. Allele origin: germline.
Comment: This variant has not been reported in the literature in individuals affected with AIRE-related conditions. The frequency data for this variant in the population databases is considered unreliable, as metrics indicate poor data quality at this position in the gnomAD database. ClinVar contains an entry for this variant (Variation ID: 859244). Advanced modeling of protein sequence and biophysical properties (such as structural, functional, and spatial information, amino acid conservation, physicochemical variation, residue mobility, and thermodynamic stability) performed at Invitae indicates that this missense variant is not expected to disrupt AIRE protein function. In summary, the available evidence is currently insufficient to determine the role of this variant in disease. Therefore, it has been classified as a Variant of Uncertain Significance. This sequence change replaces proline, which is neutral and non-polar, with serine, which is neutral and polar, at codon 355 of the AIRE protein (p.Pro355Ser).

NM_000383.4(AIRE):c.1063C>T (p.Pro355Ser)

Gene: AIRE (autoimmune regulator; plus strand). Cytogenetic location: 21q22.3.
Variant type: single nucleotide variant.
Coding change: c.1063C>T on transcript NM_000383.4 (MANE Select); coding-DNA position 1063, C replaced by T.
Protein change: p.Pro355Ser; replaces proline 355 with serine.
Molecular consequence: missense variant.
Genome position (GRCh38, 1-based): chr21:44,292,369, C>T. VCF-style: chr21-44292369-C-T. GRCh37 (hg19) VCF-style: chr21-45712252-C-T.
Other names: short protein forms P355S.
Identifiers: ClinVar variation 859244 (VCV000859244.11), dbSNP rs1405678537, ClinGen allele CA410425182.